The following is an entry in ClinVar:

ClinVar aggregate classification (germline): Uncertain significance. Review status: criteria provided, multiple submitters, no conflicts (2 of 4 stars). 2 submissions from 2 submitters: Uncertain significance (2). Last evaluated 2025-11-26.

Conditions:
Inborn genetic diseases. Identifiers: MedGen C0950123, MeSH D030342.

gnomAD v4.1: 1 of 1,613,966 alleles (0.000062%); highest among the groups gnomAD compares: Non-Finnish European, 0.000085%; no homozygotes.

Submissions (2):

Labcorp Genetics (formerly Invitae), Labcorp
Classification: Uncertain significance. Last evaluated: 2025-11-26. Review status: criteria provided, single submitter. Criteria: Invitae Variant Classification Sherloc (09022015). Collection method: clinical testing. Allele origin: germline.
Comment: This sequence change replaces glycine, which is neutral and non-polar, with aspartic acid, which is acidic and polar, at codon 3046 of the SRCAP protein (p.Gly3046Asp). This variant is present in population databases (no rsID available, gnomAD 0.0009%). This variant has not been reported in the literature in individuals affected with SRCAP-related conditions. Invitae Evidence Modeling of protein sequence and biophysical properties (such as structural, functional, and spatial information, amino acid conservation, physicochemical variation, residue mobility, and thermodynamic stability) has been performed for this missense variant. However, the output from this modeling did not meet the statistical confidence thresholds required to predict the impact of this variant on SRCAP protein function. In summary, the available evidence is currently insufficient to determine the role of this variant in disease. Therefore, it has been classified as a Variant of Uncertain Significance.

Ambry Genetics
Classification: Uncertain significance for Inborn genetic diseases. Last evaluated: 2025-10-18. Review status: criteria provided, single submitter. Criteria: Ambry Variant Classification Scheme 2023. Collection method: clinical testing. Allele origin: germline.

NM_006662.3(SRCAP):c.9137G>A (p.Gly3046Asp)

Gene: SRCAP (Snf2 related CREBBP activator protein; plus strand). Cytogenetic location: 16p11.2.
Variant type: single nucleotide variant.
Coding change: c.9137G>A on transcript NM_006662.3 (MANE Select); coding-DNA position 9137, G replaced by A.
Protein change: p.Gly3046Asp; replaces glycine 3046 with aspartic acid.
Molecular consequence: missense variant.
Genome position (GRCh38, 1-based): chr16:30,739,177, G>A. VCF-style: chr16-30739177-G-A. GRCh37 (hg19) VCF-style: chr16-30750498-G-A.
Other names: short protein forms G3046D.
Identifiers: ClinVar variation 4632207 (VCV004632207.2).